The following is an entry in ClinVar:

NM_001286577.2(C2CD3):c.3961G>A (p.Val1321Ile)

Gene: C2CD3 (C2 domain containing 3 centriole elongation regulator; minus strand). Cytogenetic location: 11q13.4.
Variant type: single nucleotide variant.
Coding change: c.3961G>A on transcript NM_001286577.2 (MANE Select); coding-DNA position 3961, G replaced by A.
Protein change: p.Val1321Ile; replaces valine 1321 with isoleucine.
Molecular consequence: missense variant.
Genome position (GRCh38, 1-based): chr11:74,084,920, C>T on the plus strand (G>A on the coding strand, the complement: C2CD3 is on the minus strand). VCF-style: chr11-74084920-C-T. GRCh37 (hg19) VCF-style: chr11-73795965-C-T.
Other names: c.3961G>A (NM_015531.4); c.3961G>A, p.Val1321Ile (NM_015531.6); short protein forms V1321I.
Identifiers: ClinVar variation 1462871 (VCV001462871.5), dbSNP rs199813738, ClinGen allele CA6182253.

ClinVar aggregate classification (germline): Uncertain significance. Review status: criteria provided, multiple submitters, no conflicts (2 of 4 stars). 3 submissions from 3 submitters: Uncertain significance (3). Last evaluated 2024-03-27.

Conditions:
Inborn genetic diseases. Identifiers: MedGen C0950123, MeSH D030342.

Allele frequency attached by ClinVar (database versions not stated): gnomAD 0.00010; gnomAD exomes 0.00012 and 0.00025; TOPMed 0.00014; ExAC 0.00016; ESP Exome Variant Server 0.00054.
gnomAD v4.1: 375 of 1,612,818 alleles (0.023%); highest among the groups gnomAD compares: Non-Finnish European, 0.03%; no homozygotes.

Submissions (3):

Blueprint Genetics
Classification: Uncertain significance. Last evaluated: 2024-03-27. Review status: criteria provided, single submitter. Criteria: ACMG Guidelines, 2015. Collection method: clinical testing. Allele origin: germline.

Labcorp Genetics (formerly Invitae), Labcorp
Classification: Uncertain significance. Last evaluated: 2022-09-23. Review status: criteria provided, single submitter. Criteria: Invitae Variant Classification Sherloc (09022015). Collection method: clinical testing. Allele origin: germline.
Comment: This sequence change replaces valine, which is neutral and non-polar, with isoleucine, which is neutral and non-polar, at codon 1321 of the C2CD3 protein (p.Val1321Ile). This variant is present in population databases (rs199813738, gnomAD 0.02%). This variant has not been reported in the literature in individuals affected with C2CD3-related conditions. ClinVar contains an entry for this variant (Variation ID: 1462871). Advanced modeling of protein sequence and biophysical properties (such as structural, functional, and spatial information, amino acid conservation, physicochemical variation, residue mobility, and thermodynamic stability) performed at Invitae indicates that this missense variant is expected to disrupt C2CD3 protein function. In summary, the available evidence is currently insufficient to determine the role of this variant in disease. Therefore, it has been classified as a Variant of Uncertain Significance.

Ambry Genetics
Classification: Uncertain significance for Inborn genetic diseases. Last evaluated: 2021-08-11. Review status: criteria provided, single submitter. Criteria: Ambry Variant Classification Scheme 2023. Collection method: clinical testing. Allele origin: germline.